The following is an entry in ClinVar:

ClinVar aggregate classification (germline): Uncertain significance. Review status: criteria provided, multiple submitters, no conflicts (2 of 4 stars). 3 submissions from 3 submitters: Uncertain significance (3). Last evaluated 2025-11-26.

Conditions:
Inborn genetic diseases. Identifiers: MedGen C0950123, MeSH D030342.
Muscle AMP deaminase deficiency (MMDD). Also called: AMPD1 DEFICIENCY; ADENOSINE MONOPHOSPHATE DEAMINASE-1 DEFICIENCY, MYOPATHY DUE TO; Myoadenylate deaminase deficiency, myopathy due to; Adenosine monophosphate deaminase 1 deficiency; AMP deaminase 1 deficiency; Adenosine Monophosphate Deaminase 1. Identifiers: Orphanet 45, MedGen C3714933, MONDO:0014220, OMIM 615511.

Allele frequency attached by ClinVar (database versions not stated): gnomAD exomes 0.00004.
gnomAD v4.1: 70 of 1,614,044 alleles (0.0043%); highest among the groups gnomAD compares: African/African-American, 0.0093%; no homozygotes.

Submissions (3):

Ambry Genetics
Classification: Uncertain significance for Inborn genetic diseases. Last evaluated: 2025-11-26. Review status: criteria provided, single submitter. Criteria: Ambry Variant Classification Scheme 2023. Collection method: clinical testing. Allele origin: germline.

Labcorp Genetics (formerly Invitae), Labcorp
Classification: Uncertain significance for Muscle AMP deaminase deficiency. Last evaluated: 2025-03-26. Review status: criteria provided, single submitter. Criteria: Invitae Variant Classification Sherloc (09022015). Collection method: clinical testing. Allele origin: germline.
Comment: This sequence change replaces arginine, which is basic and polar, with glutamine, which is neutral and polar, at codon 112 of the AMPD1 protein (p.Arg112Gln). This variant is present in population databases (rs200543002, gnomAD 0.01%). This variant has not been reported in the literature in individuals affected with AMPD1-related conditions. ClinVar contains an entry for this variant (Variation ID: 1389102). An algorithm developed to predict the effect of missense changes on protein structure and function outputs the following: PolyPhen-2: "Benign". The glutamine amino acid residue is found in multiple mammalian species, which suggests that this missense change does not adversely affect protein function. In summary, the available evidence is currently insufficient to determine the role of this variant in disease. Therefore, it has been classified as a Variant of Uncertain Significance.

Revvity Omics, Revvity
Classification: Uncertain significance for Muscle AMP deaminase deficiency. Last evaluated: 2019-06-28. Review status: criteria provided, single submitter. Criteria: ACMG Guidelines, 2015. Collection method: clinical testing. Allele origin: germline.

NM_000036.3(AMPD1):c.236G>A (p.Arg79Gln)

Gene: AMPD1 (adenosine monophosphate deaminase 1; minus strand). Cytogenetic location: 1p13.2.
Variant type: single nucleotide variant.
Coding change: c.236G>A on transcript NM_000036.3 (MANE Select); coding-DNA position 236, G replaced by A.
Protein change: p.Arg79Gln; replaces arginine 79 with glutamine.
Molecular consequence: missense variant.
Genome position (GRCh38, 1-based): chr1:114,686,890, C>T on the plus strand (G>A on the coding strand, the complement: AMPD1 is on the minus strand). VCF-style: chr1-114686890-C-T. GRCh37 (hg19) VCF-style: chr1-115229511-C-T.
Other names: c.224G>A, p.Arg75Gln (NM_001172626.2); c.335G>A (NM_000036.2); short protein forms R75Q, R79Q.
Identifiers: ClinVar variation 1389102 (VCV001389102.8), dbSNP rs200543002, ClinGen allele CA1020484.